The following is an entry in ClinVar:

NM_001164508.2(NEB):c.4937A>G (p.Asn1646Ser)

Gene: NEB (nebulin; minus strand). Cytogenetic location: 2q23.3.
Variant type: single nucleotide variant.
Coding change: c.4937A>G on transcript NM_001164508.2 (MANE Select); coding-DNA position 4937, A replaced by G.
Protein change: p.Asn1646Ser; replaces asparagine 1646 with serine.
Molecular consequence: missense variant.
Genome position (GRCh38, 1-based): chr2:151,666,184, T>C on the plus strand (A>G on the coding strand, the complement: NEB is on the minus strand). VCF-style: chr2-151666184-T-C. GRCh37 (hg19) VCF-style: chr2-152522698-T-C.
Other names: c.4937A>G, p.Asn1646Ser (NM_001164507.2, NM_001271208.2, NM_004543.5); short protein forms N1646S.
Identifiers: ClinVar variation 2049250 (VCV002049250.1), dbSNP rs1559018932, ClinGen allele CA348813302.
Genomic context (GRCh38, chr2:151,666,184, plus strand): 5'-TCCACATTCAAGGCATCGGGCAGGAGAGTGTAGTGGTGGTATGACTGTCTGTAGTTGGCG[T>C]TGGTGGCAACCTCCTGAGATTTCTTTGCAGCTGTCACACTGACCATATCCAGAGGTGTGT-3'
Protein context (NP_001157980.2, residues 1636-1656): AAKKSQEVAT[Asn1646Ser]ANYRQSYHHY

ClinVar aggregate classification (germline): Uncertain significance (1 of 4 stars; one submission).

Conditions:
Nemaline myopathy 2 (NEM2). Also called: Nemaline myopathy 2, autosomal recessive. Identifiers: MedGen C1850569, MONDO:0009725, OMIM 256030.

Allele frequency attached by ClinVar (database versions not stated): gnomAD exomes 0.00001.
gnomAD v4.1: 18 of 1,613,934 alleles (0.0011%); highest among the groups gnomAD compares: South Asian, 0.014%; no homozygotes.

Submission:

Labcorp Genetics (formerly Invitae), Labcorp
Classification: Uncertain significance for Nemaline myopathy 2. Last evaluated: 2021-08-27. Review status: criteria provided, single submitter. Criteria: Invitae Variant Classification Sherloc (09022015). Collection method: clinical testing. Allele origin: germline.
Comment: This sequence change replaces asparagine with serine at codon 1646 of the NEB protein (p.Asn1646Ser). The asparagine residue is moderately conserved and there is a small physicochemical difference between asparagine and serine. This variant is not present in population databases (ExAC no frequency). This variant has not been reported in the literature in individuals affected with NEB-related conditions. Algorithms developed to predict the effect of missense changes on protein structure and function are either unavailable or do not agree on the potential impact of this missense change (SIFT: "Deleterious"; PolyPhen-2: "Not Available"; Align-GVGD: "Class C0"). In summary, the available evidence is currently insufficient to determine the role of this variant in disease. Therefore, it has been classified as a Variant of Uncertain Significance.